The following is an entry in ClinVar:

NM_001270974.2(HYDIN):c.15092C>T (p.Ser5031Leu)

Gene: HYDIN (HYDIN axonemal central pair apparatus protein; minus strand). Cytogenetic location: 16q22.2.
Variant type: single nucleotide variant.
Coding change: c.15092C>T on transcript NM_001270974.2 (MANE Select); coding-DNA position 15092, C replaced by T.
Protein change: p.Ser5031Leu; replaces serine 5031 with leucine.
Molecular consequence: missense variant.
Genome position (GRCh38, 1-based): chr16:70,807,854, G>A on the plus strand (C>T on the coding strand, the complement: HYDIN is on the minus strand). VCF-style: chr16-70807854-G-A. GRCh37 (hg19) VCF-style: chr16-70841757-G-A.
Other names: short protein forms S5031L.
Identifiers: ClinVar variation 1031947 (VCV001031947.1), dbSNP rs763594182, ClinGen allele CA8148307.

ClinVar aggregate classification (germline): Uncertain significance (1 of 4 stars; one submission).

Conditions:
Primary ciliary dyskinesia 5. Also called: CILIARY DYSKINESIA, PRIMARY, 5, WITHOUT SITUS INVERSUS. Identifiers: Orphanet 244, MedGen C1837615, MONDO:0012088, OMIM 608647.

Allele frequency attached by ClinVar (database versions not stated): gnomAD 0.00001; gnomAD exomes 0.00001 and 0.00002; ExAC 0.00002; TOPMed 0.00002.
gnomAD v4.1: 39 of 1,614,072 alleles (0.0024%); highest among the groups gnomAD compares: South Asian, 0.0077%; 1 homozygote.

Submission:

Baylor Genetics
Classification: Uncertain significance for Primary ciliary dyskinesia 5. Last evaluated: 2018-02-13. Review status: criteria provided, single submitter. Criteria: ACMG Guidelines, 2015. Collection method: clinical testing. Allele origin: paternal. Affected: yes.
Comment: This variant was determined to be of uncertain significance according to ACMG Guidelines, 2015 [PMID:25741868].